The following is an entry in ClinVar:

NM_012471.3(TRPC5):c.402G>A (p.Thr134=)

Gene: TRPC5 (transient receptor potential cation channel subfamily C member 5; minus strand). Cytogenetic location: Xq23.
Variant type: single nucleotide variant.
Coding change: c.402G>A on transcript NM_012471.3 (MANE Select); coding-DNA position 402, G replaced by A.
Protein change: p.Thr134=; no amino-acid change (threonine 134 retained).
Molecular consequence: synonymous variant.
Genome position (GRCh38, 1-based): chrX:111,912,789, C>T on the plus strand (G>A on the coding strand, the complement: TRPC5 is on the minus strand). VCF-style: chrX-111912789-C-T. GRCh37 (hg19) VCF-style: chrX-111156017-C-T.
Identifiers: ClinVar variation 4982871 (VCV004982871.1).

ClinVar aggregate classification (germline): Likely benign (1 of 4 stars; one submission).

Conditions:
TRPC5-related disorder. Also called: TRPC5-related condition.

gnomAD v4.1: 4 of 1,199,973 alleles (0.00033%); highest among the groups gnomAD compares: South Asian, 0.0035%; no homozygotes.

Submission:

PreventionGenetics, part of Exact Sciences
Classification: Likely benign for TRPC5-related condition. Last evaluated: 2025-11-06. Review status: criteria provided, single submitter. Criteria: ACMG Guidelines, 2015. Collection method: clinical testing. Allele origin: germline.
Comment: This variant is classified as likely benign based on ACMG/AMP sequence variant interpretation guidelines (Richards et al. 2015 PMID: 25741868, with internal and published modifications).